The following is an entry in ClinVar:

NM_000179.3(MSH6):c.4002-14_4002-10dup

Gene: MSH6 (mutS homolog 6; plus strand). Cytogenetic location: 2p16.3.
Variant type: Duplication.
Coding change: c.4002-14_4002-10dup on transcript NM_000179.3 (MANE Select); 14 bases into the intron before coding-DNA position 4002 through 10 bases into the intron before coding-DNA position 4002, 5 bases duplicated (TTTTT; older notation c.4002-14_4002-10dupTTTTT).
Molecular consequence: intron variant.
Genome position (GRCh38, 1-based): chr2:47,806,765-47,806,769, TTTTT duplicated; duplicating any 5 consecutive bases within chr2:47,806,752-47,806,769 gives the same sequence; the c. name uses the placement nearest the transcript's 3' end. VCF-style (leftmost placement, unchanged base first): chr2-47806751-C-CTTTTT. GRCh37 (hg19) VCF-style: chr2-48033890-C-CTTTTT.
Other names: c.4002-14_4002-10dup (NM_001406809.1, NM_001406796.1); c.3096-14_3096-10dup (NM_001406811.1, NM_001406814.1, NM_001281493.2 and 6 more transcripts); c.3705-14_3705-10dup (NM_001406805.1, NM_001406797.1, NM_001406818.1 and 8 more transcripts); c.4098-14_4098-10dup (NM_001406795.1); c.3898-14_3898-10dup (NM_001406802.1); c.4008-14_4008-10dup (NM_001406813.1); c.3477-14_3477-10dup (NM_001406807.1, NM_001406799.1, NM_001406806.1); c.4002-19_4002-15dup (NM_001406808.1); and 13 more.
Identifiers: ClinVar variation 4539396 (VCV004539396.2).

ClinVar aggregate classification (germline): Likely benign. Review status: criteria provided, multiple submitters, no conflicts (2 of 4 stars). 2 submissions from 2 submitters: Likely benign (2). Last evaluated 2026-01-11.

Conditions:
MSH6-related disorder. Also called: MSH6-related condition; MSH6-Related disorders.

Submissions (2):

PreventionGenetics, part of Exact Sciences
Classification: Likely benign for MSH6-related condition. Last evaluated: 2026-01-11. Review status: criteria provided, single submitter. Criteria: ACMG Guidelines, 2015. Collection method: clinical testing. Allele origin: germline.
Comment: This variant is classified as likely benign based on ACMG/AMP sequence variant interpretation guidelines (Richards et al. 2015 PMID: 25741868, with internal and published modifications).

Center for Genomic Medicine, Rigshospitalet, Copenhagen University Hospital
Classification: Likely benign. Last evaluated: 2025-12-29. Review status: criteria provided, single submitter. Criteria: ACMG Guidelines, 2015. Collection method: clinical testing. Allele origin: germline.
Comment: Classification criteria: BS1